The following is an entry in ClinVar:

ClinVar aggregate classification (germline): Uncertain significance (1 of 4 stars; one submission).

Submission:

Labcorp Genetics (formerly Invitae), Labcorp
Classification: Uncertain significance. Last evaluated: 2024-11-23. Review status: criteria provided, single submitter. Criteria: Invitae Variant Classification Sherloc (09022015). Collection method: clinical testing. Allele origin: germline.
Comment: This variant, c.14_16dup, results in the insertion of 1 amino acid(s) of the COQ9 protein (p.Ala5dup), but otherwise preserves the integrity of the reading frame. This variant is present in population databases (rs768555027, gnomAD 0.005%). This variant has not been reported in the literature in individuals affected with COQ9-related conditions. In summary, the available evidence is currently insufficient to determine the role of this variant in disease. Therefore, it has been classified as a Variant of Uncertain Significance.

NM_020312.4(COQ9):c.5CGG[5] (p.Ala5dup)

Genes: COQ9 (coenzyme Q9; plus strand), LOC112469007 (Sharpr-MPRA regulatory region 5957; plus strand). Cytogenetic location: 16q21.
Variant type: Microsatellite.
Coding change: c.5CGG[5] on transcript NM_020312.4 (MANE Select); five copies in a row of the 3-base unit CGG starting at c.5; the reference has four copies in a row; one copy, 3 bases duplicated.
Protein change: p.Ala5dup; duplicates alanine 5.
Molecular consequence: inframe insertion, initiator codon variant.
Genome position (GRCh38, 1-based): chr16:57,447,519-57,447,521, CGG duplicated; duplicating any 3 consecutive bases within chr16:57,447,508-57,447,521 gives the same sequence; the position shown is the placement nearest the transcript's 3' end. VCF-style (leftmost placement, unchanged base first): chr16-57447507-T-TGGC. GRCh37 (hg19) VCF-style: chr16-57481419-T-TGGC.
Identifiers: ClinVar variation 1438927 (VCV001438927.6), dbSNP rs746939021, ClinGen allele CA8076049.